The following is an entry in ClinVar:

NM_001372076.1(PAX9):c.670G>T (p.Glu224Ter)

Gene: PAX9 (paired box 9; plus strand). Cytogenetic location: 14q13.3.
Variant type: single nucleotide variant.
Coding change: c.670G>T on transcript NM_001372076.1 (MANE Select); coding-DNA position 670, G replaced by T.
Protein change: p.Glu224Ter; replaces glutamic acid 224 with a stop codon.
Molecular consequence: nonsense.
Genome position (GRCh38, 1-based): chr14:36,666,500, G>T. VCF-style: chr14-36666500-G-T. GRCh37 (hg19) VCF-style: chr14-37135705-G-T.
Other names: c.670G>T, p.Glu224Ter (NM_006194.4); short protein forms E224*.
Identifiers: ClinVar variation 3381209 (VCV003381209.2).
Genomic context (GRCh38, chr14:36,666,500, plus strand): 5'-CACCCTCTCTTCTCTCCATCAGTGAGCGACAGCTCCCCCTACCACAGCCCCAAGGTGGAG[G>T]AGTGGAGCAGCCTGGGCCGCAACAACTTCCCCGCCGCCGCCCCGCACGCGGTGAACGGGT-3'

ClinVar aggregate classification (germline): Likely pathogenic (1 of 4 stars; one submission).

Conditions:
Tooth agenesis, selective, 3 (STHAG3). Also called: HYPODONTIA/OLIGODONTIA 3. Identifiers: Orphanet 99798, MedGen C1970291, MONDO:0011477, OMIM 604625. Disease mechanism: loss of function.

Submission:

Center of Excellence in Precision Medicine and Digital Health (CEPMDH), Faculty of Dentistry, Chulalongkorn University
Classification: Likely pathogenic for Tooth agenesis, selective, 3. Review status: criteria provided, single submitter. Criteria: ACMG Guidelines, 2015. Collection method: clinical testing. Allele origin: germline. Inheritance: Autosomal dominant inheritance. Affected: yes. Observed: 2 variant alleles, 2 heterozygotes.
Comment: This variant was absent from population databases, including gnomAD, TOPMed, GenomeAsia, and our in-house database of Thai exomes. The truncated mutation in this gene was previously reported in non-syndromic tooth agenesis patients (Jiang et al. 2023, PMID:17910065). This variant was classified as likely pathogenic based on the ACMG Guidelines for variant interpretation and classification.